The following is an entry in ClinVar:

NM_002968.3(SALL1):c.2828G>C (p.Ser943Thr)

Gene: SALL1 (spalt like transcription factor 1; minus strand). Cytogenetic location: 16q12.1.
Variant type: single nucleotide variant.
Coding change: c.2828G>C on transcript NM_002968.3 (MANE Select); coding-DNA position 2828, G replaced by C.
Protein change: p.Ser943Thr; replaces serine 943 with threonine.
Molecular consequence: missense variant.
Genome position (GRCh38, 1-based): chr16:51,139,394, C>G on the plus strand (G>C on the coding strand, the complement: SALL1 is on the minus strand). VCF-style: chr16-51139394-C-G. GRCh37 (hg19) VCF-style: chr16-51173305-C-G.
Other names: c.2537G>C, p.Ser846Thr (NM_001127892.2); short protein forms S846T, S943T.
Identifiers: ClinVar variation 3631089 (VCV003631089.2).

ClinVar aggregate classification (germline): Uncertain significance (1 of 4 stars; one submission).

Conditions:
Townes syndrome (TBS). Also called: Townes-Brocks syndrome. Identifiers: Orphanet 857, MedGen C0265246, MeSH C536974, MONDO:0007142.

Submission:

Labcorp Genetics (formerly Invitae), Labcorp
Classification: Uncertain significance for Townes syndrome. Last evaluated: 2024-12-02. Review status: criteria provided, single submitter. Criteria: Invitae Variant Classification Sherloc (09022015). Collection method: clinical testing. Allele origin: germline.
Comment: This sequence change replaces serine, which is neutral and polar, with threonine, which is neutral and polar, at codon 943 of the SALL1 protein (p.Ser943Thr). This variant is not present in population databases (gnomAD no frequency). This variant has not been reported in the literature in individuals affected with SALL1-related conditions. Invitae Evidence Modeling of protein sequence and biophysical properties (such as structural, functional, and spatial information, amino acid conservation, physicochemical variation, residue mobility, and thermodynamic stability) indicates that this missense variant is not expected to disrupt SALL1 protein function with a negative predictive value of 80%. In summary, the available evidence is currently insufficient to determine the role of this variant in disease. Therefore, it has been classified as a Variant of Uncertain Significance.